The following is an entry in ClinVar:

NM_030912.3(TRIM8):c.1175C>T (p.Ser392Leu)

Gene: TRIM8 (tripartite motif containing 8; plus strand). Cytogenetic location: 10q24.32.
Variant type: single nucleotide variant.
Coding change: c.1175C>T on transcript NM_030912.3 (MANE Select); coding-DNA position 1175, C replaced by T.
Protein change: p.Ser392Leu; replaces serine 392 with leucine.
Molecular consequence: missense variant. On other transcripts: non-coding transcript variant (1).
Genome position (GRCh38, 1-based): chr10:102,656,873, C>T. VCF-style: chr10-102656873-C-T. GRCh37 (hg19) VCF-style: chr10-104416630-C-T.
Other names: c.1079C>T, p.Ser360Leu (NM_001345950.1); short protein forms S360L, S392L.
Identifiers: ClinVar variation 2536495 (VCV002536495.4), dbSNP rs963285192, ClinGen allele CA212267260.

ClinVar aggregate classification (germline): Uncertain significance. Review status: criteria provided, multiple submitters, no conflicts (2 of 4 stars). 2 submissions from 2 submitters: Uncertain significance (2). Last evaluated 2024-02-07.

Conditions:
Inborn genetic diseases. Identifiers: MedGen C0950123, MeSH D030342.

Allele frequency attached by ClinVar (database versions not stated): TOPMed below 0.00001; gnomAD exomes 0.00001.
gnomAD v4.1: 7 of 1,571,058 alleles (0.00045%); highest among the groups gnomAD compares: Non-Finnish European, 0.00052%; no homozygotes.

Submissions (2):

Labcorp Genetics (formerly Invitae), Labcorp
Classification: Uncertain significance. Last evaluated: 2024-02-07. Review status: criteria provided, single submitter. Criteria: Invitae Variant Classification Sherloc (09022015). Collection method: clinical testing. Allele origin: germline.
Comment: This sequence change replaces serine, which is neutral and polar, with leucine, which is neutral and non-polar, at codon 392 of the TRIM8 protein (p.Ser392Leu). This variant is not present in population databases (gnomAD no frequency). This variant has not been reported in the literature in individuals affected with TRIM8-related conditions. ClinVar contains an entry for this variant (Variation ID: 2536495). An algorithm developed to predict the effect of missense changes on protein structure and function (PolyPhen-2) suggests that this variant is likely to be tolerated. In summary, the available evidence is currently insufficient to determine the role of this variant in disease. Therefore, it has been classified as a Variant of Uncertain Significance.

Ambry Genetics
Classification: Uncertain significance for Inborn genetic diseases. Last evaluated: 2023-04-12. Review status: criteria provided, single submitter. Criteria: Ambry Variant Classification Scheme 2023. Collection method: clinical testing. Allele origin: germline.